The following is an entry in ClinVar:

NM_138413.4(HOGA1):c.465C>T (p.Thr155=)

Gene: HOGA1 (4-hydroxy-2-oxoglutarate aldolase 1; plus strand). Cytogenetic location: 10q24.2.
Variant type: single nucleotide variant.
Coding change: c.465C>T on transcript NM_138413.4 (MANE Select); coding-DNA position 465, C replaced by T.
Protein change: p.Thr155=; no amino-acid change (threonine 155 retained).
Molecular consequence: synonymous variant. On other transcripts: intron variant (1).
Genome position (GRCh38, 1-based): chr10:97,599,213, C>T. VCF-style: chr10-97599213-C-T. GRCh37 (hg19) VCF-style: chr10-99358970-C-T.
Other names: c.465C>T (NM_138413.3); c.212-2644C>T (NM_001134670.2).
Identifiers: ClinVar variation 1122799 (VCV001122799.11), dbSNP rs143941858, ClinGen allele CA5634112.

ClinVar aggregate classification (germline): Likely benign. Review status: criteria provided, multiple submitters, no conflicts (2 of 4 stars). 2 submissions from 2 submitters: Likely benign (2). Last evaluated 2025-09-09.

Conditions:
HOGA1-related disorder. Also called: HOGA1-related condition.

Allele frequency attached by ClinVar (database versions not stated): ExAC 0.00002; gnomAD exomes 0.00002 and 0.00001; gnomAD 0.00003; TOPMed 0.00003; ESP Exome Variant Server 0.00015.
gnomAD v4.1: 16 of 1,613,788 alleles (0.00099%); highest among the groups gnomAD compares: African/African-American, 0.008%; no homozygotes.

Submissions (2):

PreventionGenetics, part of Exact Sciences
Classification: Likely benign for HOGA1-related condition. Last evaluated: 2025-09-09. Review status: criteria provided, single submitter. Criteria: ACMG Guidelines, 2015. Collection method: clinical testing. Allele origin: germline.
Comment: This variant is classified as likely benign based on ACMG/AMP sequence variant interpretation guidelines (Richards et al. 2015 PMID: 25741868, with internal and published modifications).

Labcorp Genetics (formerly Invitae), Labcorp
Classification: Likely benign. Last evaluated: 2023-08-29. Review status: criteria provided, single submitter. Criteria: Invitae Variant Classification Sherloc (09022015). Collection method: clinical testing. Allele origin: germline.